The following is an entry in ClinVar:

NM_032229.3(SLITRK6):c.2131G>A (p.Gly711Arg)

Gene: SLITRK6 (SLIT and NTRK like family member 6; minus strand). Cytogenetic location: 13q31.1.
Variant type: single nucleotide variant.
Coding change: c.2131G>A on transcript NM_032229.3 (MANE Select); coding-DNA position 2131, G replaced by A.
Protein change: p.Gly711Arg; replaces glycine 711 with arginine.
Molecular consequence: missense variant.
Genome position (GRCh38, 1-based): chr13:85,794,378, C>T on the plus strand (G>A on the coding strand, the complement: SLITRK6 is on the minus strand). VCF-style: chr13-85794378-C-T. GRCh37 (hg19) VCF-style: chr13-86368513-C-T.
Other names: short protein forms G711R.
Identifiers: ClinVar variation 1878810 (VCV001878810.6), dbSNP rs374376725, ClinGen allele CA253124694.

ClinVar aggregate classification (germline): Uncertain significance. Review status: criteria provided, multiple submitters, no conflicts (2 of 4 stars). 3 submissions from 3 submitters: Uncertain significance (3). Last evaluated 2025-10-01.

Conditions:
Inborn genetic diseases. Identifiers: MedGen C0950123, MeSH D030342.

Allele frequency attached by ClinVar (database versions not stated): gnomAD exomes below 0.00001; TOPMed below 0.00001.

Submissions (3):

GeneDx
Classification: Uncertain significance. Last evaluated: 2025-10-01. Review status: criteria provided, single submitter. Criteria: GeneDx Variant Classification Process June 2021. Collection method: clinical testing. Allele origin: germline. Affected: yes.
Comment: Not observed at significant frequency in large population cohorts (gnomAD); In silico analysis suggests that this missense variant does not alter protein structure/function; Has not been previously published as pathogenic or benign to our knowledge

Blueprint Genetics
Classification: Uncertain significance. Last evaluated: 2023-02-22. Review status: criteria provided, single submitter. Criteria: ACMG Guidelines, 2015. Collection method: clinical testing. Allele origin: germline.

Ambry Genetics
Classification: Uncertain significance for Inborn genetic diseases. Last evaluated: 2021-09-27. Review status: criteria provided, single submitter. Criteria: Ambry Variant Classification Scheme 2023. Collection method: clinical testing. Allele origin: germline.